The following is an entry in ClinVar:

ClinVar aggregate classification (germline): Uncertain significance. Review status: criteria provided, multiple submitters, no conflicts (2 of 4 stars). 2 submissions from 2 submitters: Uncertain significance (2). Last evaluated 2024-07-23.

Conditions:
Hereditary cancer-predisposing syndrome. Also called: Neoplastic Syndromes, Hereditary; Hereditary neoplastic syndrome; Hereditary Cancer Syndrome; Tumor predisposition. Identifiers: Orphanet 140162, MedGen C0027672, MeSH D009386, MONDO:0015356.
Multiple endocrine neoplasia, type 1 (MEN1). Also called: MEN I; WERMER SYNDROME; Endocrine adenomatosis multiple; MEN 1; MEA I. Identifiers: Orphanet 652, MedGen C0025267, MeSH D018761, MONDO:0007540, OMIM 131100.

Allele frequency attached by ClinVar (database versions not stated): gnomAD exomes below 0.00001.
gnomAD v4.1: 1 of 1,614,020 alleles (0.000062%); highest among the groups gnomAD compares: Non-Finnish European, 0.000085%; no homozygotes.

Submissions (2):

Ambry Genetics
Classification: Uncertain significance for Hereditary cancer-predisposing syndrome. Last evaluated: 2024-07-23. Review status: criteria provided, single submitter. Criteria: Ambry Variant Classification Scheme 2023. Collection method: clinical testing. Allele origin: germline.
Comment: The p.P107S variant (also known as c.319C>T), located in coding exon 1 of the MEN1 gene, results from a C to T substitution at nucleotide position 319. The proline at codon 107 is replaced by serine, an amino acid with similar properties. This amino acid position is conserved. In addition, the in silico prediction for this alteration is inconclusive. Based on the available evidence, the clinical significance of this variant remains unclear.

Labcorp Genetics (formerly Invitae), Labcorp
Classification: Uncertain significance for Multiple endocrine neoplasia, type 1. Last evaluated: 2019-08-29. Review status: criteria provided, single submitter. Criteria: Invitae Variant Classification Sherloc (09022015). Collection method: clinical testing. Allele origin: germline.
Comment: In summary, the available evidence is currently insufficient to determine the role of this variant in disease. Therefore, it has been classified as a Variant of Uncertain Significance. Algorithms developed to predict the effect of missense changes on protein structure and function are either unavailable or do not agree on the potential impact of this missense change (SIFT: "Tolerated"; PolyPhen-2: "Possibly Damaging"; Align-GVGD: "Class C0"). This variant has not been reported in the literature in individuals with MEN1-related conditions. This variant is not present in population databases (ExAC no frequency). This sequence change replaces proline with serine at codon 107 of the MEN1 protein (p.Pro107Ser). The proline residue is highly conserved and there is a moderate physicochemical difference between proline and serine.

NM_001370259.2(MEN1):c.319C>T (p.Pro107Ser)

Gene: MEN1 (menin 1; minus strand). Cytogenetic location: 11q13.1.
Variant type: single nucleotide variant.
Coding change: c.319C>T on transcript NM_001370259.2 (MANE Select); coding-DNA position 319, C replaced by T.
Protein change: p.Pro107Ser; replaces proline 107 with serine.
Molecular consequence: missense variant.
Genome position (GRCh38, 1-based): chr11:64,809,791, G>A on the plus strand (C>T on the coding strand, the complement: MEN1 is on the minus strand). VCF-style: chr11-64809791-G-A. GRCh37 (hg19) VCF-style: chr11-64577263-G-A.
Other names: c.319C>T, p.Pro107Ser (NM_000244.4, NM_001370251.2, NM_001370260.2 and 9 more transcripts); short protein forms P107S.
Identifiers: ClinVar variation 944869 (VCV000944869.10), dbSNP rs1358503577, ClinGen allele CA381187414.